The following is an entry in ClinVar:

NM_001267550.2(TTN):c.96745T>C (p.Trp32249Arg)

Genes: TTN (titin; minus strand), TTN-AS1 (TTN antisense RNA 1; plus strand), LOC126806421 (CDK7 strongly-dependent group 2 enhancer GRCh37_chr2:179407630-179408829; plus strand). Cytogenetic location: 2q31.2.
Variant type: single nucleotide variant.
Coding change: c.96745T>C on transcript NM_001267550.2 (MANE Select); coding-DNA position 96745, T replaced by C.
Protein change: p.Trp32249Arg; replaces tryptophan 32249 with arginine.
Molecular consequence: missense variant.
Genome position (GRCh38, 1-based): chr2:178,543,228, A>G on the plus strand (T>C on the coding strand, the complement: TTN is on the minus strand). VCF-style: chr2-178543228-A-G. GRCh37 (hg19) VCF-style: chr2-179407955-A-G.
Other names: p.Trp30608Arg; c.91822T>C, p.Trp30608Arg (NM_001256850.1); c.69550T>C, p.Trp23184Arg (NM_003319.4); c.69925T>C, p.Trp23309Arg (NM_133432.3); c.70126T>C, p.Trp23376Arg (NM_133437.4); short protein forms W32249R, W23184R, W23309R, W23376R, W30608R.
Identifiers: ClinVar variation 167761 (VCV000167761.6), dbSNP rs370515456, ClinGen allele CA235045.

ClinVar aggregate classification (germline): Uncertain significance. Review status: criteria provided, multiple submitters, no conflicts (2 of 4 stars). 2 submissions from 2 submitters: Uncertain significance (2). Last evaluated 2024-06-04.

Allele frequency attached by ClinVar (database versions not stated): gnomAD exomes below 0.00001 and 0.00002; TOPMed below 0.00001; ExAC 0.00002; ESP Exome Variant Server 0.00008.
gnomAD v4.1: 5 of 1,613,704 alleles (0.00031%); highest among the groups gnomAD compares: Non-Finnish European, 0.00042%; no homozygotes.

Submissions (2):

Mayo Clinic Laboratories, Mayo Clinic
Classification: Uncertain significance. Last evaluated: 2024-06-04. Review status: criteria provided, single submitter. Criteria: ACMG Guidelines, 2015. Collection method: clinical testing. Allele origin: germline. Observed: 1 variant allele.
Comment: BP1

Eurofins Ntd Llc (ga)
Classification: Uncertain significance. Last evaluated: 2013-12-20. Review status: criteria provided, single submitter. Criteria: EGL Classification Definitions 2015. Collection method: clinical testing. Allele origin: germline. Observed: 1 variant allele, 1 heterozygote.